The following is an entry in ClinVar:

NM_018706.7(DHTKD1):c.2279C>G (p.Pro760Arg)

Gene: DHTKD1 (dehydrogenase E1 and transketolase domain containing 1; plus strand). Cytogenetic location: 10p14.
Variant type: single nucleotide variant.
Coding change: c.2279C>G on transcript NM_018706.7 (MANE Select); coding-DNA position 2279, C replaced by G.
Protein change: p.Pro760Arg; replaces proline 760 with arginine.
Molecular consequence: missense variant.
Genome position (GRCh38, 1-based): chr10:12,113,024, C>G. VCF-style: chr10-12113024-C-G. GRCh37 (hg19) VCF-style: chr10-12155023-C-G.
Other names: short protein forms P760R.
Identifiers: ClinVar variation 2899047 (VCV002899047.3), dbSNP rs774536665, ClinGen allele CA5408189.

ClinVar aggregate classification (germline): Uncertain significance (1 of 4 stars; one submission).

Conditions:
2-aminoadipic 2-oxoadipic aciduria (AAKAD). Also called: Aminoadipic aciduria; ALPHA-AMINOADIPIC AND ALPHA-KETOADIPIC ACIDURIA. Identifiers: Orphanet 79154, MedGen C1859817, MONDO:0008774, OMIM 204750.

Allele frequency attached by ClinVar (database versions not stated): gnomAD 0.00001; TOPMed 0.00001; ExAC 0.00004.
gnomAD v4.1: 71 of 1,613,194 alleles (0.0044%); highest among the groups gnomAD compares: South Asian, 0.0055%; no homozygotes.

Submission:

Labcorp Genetics (formerly Invitae), Labcorp
Classification: Uncertain significance for 2-aminoadipic 2-oxoadipic aciduria. Last evaluated: 2024-12-15. Review status: criteria provided, single submitter. Criteria: Invitae Variant Classification Sherloc (09022015). Collection method: clinical testing. Allele origin: germline.
Comment: This sequence change replaces proline, which is neutral and non-polar, with arginine, which is basic and polar, at codon 760 of the DHTKD1 protein (p.Pro760Arg). This variant is present in population databases (rs774536665, gnomAD 0.01%). This variant has not been reported in the literature in individuals affected with DHTKD1-related conditions. ClinVar contains an entry for this variant (Variation ID: 2899047). Invitae Evidence Modeling of protein sequence and biophysical properties (such as structural, functional, and spatial information, amino acid conservation, physicochemical variation, residue mobility, and thermodynamic stability) indicates that this missense variant is expected to disrupt DHTKD1 protein function with a positive predictive value of 80%. In summary, the available evidence is currently insufficient to determine the role of this variant in disease. Therefore, it has been classified as a Variant of Uncertain Significance.